The following is an entry in ClinVar:

NM_007194.4(CHEK2):c.1276C>G (p.Pro426Ala)

Gene: CHEK2 (checkpoint kinase 2; minus strand). Cytogenetic location: 22q12.1.
Variant type: single nucleotide variant.
Coding change: c.1276C>G on transcript NM_007194.4 (MANE Select); coding-DNA position 1276, C replaced by G.
Protein change: p.Pro426Ala; replaces proline 426 with alanine.
Molecular consequence: missense variant.
Genome position (GRCh38, 1-based): chr22:28,695,226, G>C on the plus strand (C>G on the coding strand, the complement: CHEK2 is on the minus strand). VCF-style: chr22-28695226-G-C. GRCh37 (hg19) VCF-style: chr22-29091214-G-C.
Other names: c.1405C>G, p.Pro469Ala (NM_001005735.3); c.613C>G, p.Pro205Ala (NM_001257387.3); c.1075C>G, p.Pro359Ala (NM_001349956.3); c.1189C>G, p.Pro397Ala (NM_145862.3); short protein forms P426A, P205A, P359A, P397A, P469A.
Identifiers: ClinVar variation 460795 (VCV000460795.15), dbSNP rs1555913523, ClinGen allele CA411096280.
Genomic context (GRCh38, chr22:28,695,226, plus strand): 5'-TGTATTTTCCACTGGTGATCTGATCCTTCAGTGACACTTGAGTCCTATGCTCAGAGAAAG[G>C]TGGATACCCACTAAGGCTTAATATTGGTAGAGAGAGAAAGGAAAAGAAATCAAGTGGCAT-3'
Protein context (NP_009125.1, residues 416-436): ILFICLSGYP[Pro426Ala]FSEHRTQVSL

ClinVar aggregate classification (germline): Uncertain significance. Review status: criteria provided, multiple submitters, no conflicts (2 of 4 stars). 2 submissions from 2 submitters: Uncertain significance (2). Last evaluated 2025-09-27.

Conditions:
Hereditary cancer-predisposing syndrome. Also called: Neoplastic Syndromes, Hereditary; Tumor predisposition; Hereditary Cancer Syndrome; Hereditary neoplastic syndrome. Identifiers: Orphanet 140162, MedGen C0027672, MeSH D009386, MONDO:0015356.
Familial cancer of breast. Also called: BREAST CANCER, FAMILIAL; hereditary breast carcinoma; Hereditary breast cancer. Identifiers: Orphanet 227535, MedGen C0346153, MONDO:0016419, OMIM 114480. Disease mechanism: loss of function.

Allele frequency attached by ClinVar (database versions not stated): TOPMed 0.00001.

Submissions (2):

Labcorp Genetics (formerly Invitae), Labcorp
Classification: Uncertain significance for Familial cancer of breast. Last evaluated: 2025-09-27. Review status: criteria provided, single submitter. Criteria: Invitae Variant Classification Sherloc (09022015). Collection method: clinical testing. Allele origin: germline.
Comment: This sequence change replaces proline, which is neutral and non-polar, with alanine, which is neutral and non-polar, at codon 426 of the CHEK2 protein (p.Pro426Ala). This variant is not present in population databases (gnomAD no frequency). This variant has not been reported in the literature in individuals affected with CHEK2-related conditions. ClinVar contains an entry for this variant (Variation ID: 460795). An algorithm developed to predict the effect of missense changes on protein structure and function (PolyPhen-2) suggests that this variant is likely to be disruptive. In summary, the available evidence is currently insufficient to determine the role of this variant in disease. Therefore, it has been classified as a Variant of Uncertain Significance.

Ambry Genetics
Classification: Uncertain significance for Hereditary cancer-predisposing syndrome. Last evaluated: 2022-05-13. Review status: criteria provided, single submitter. Criteria: Ambry Variant Classification Scheme 2023. Collection method: clinical testing. Allele origin: germline.
Comment: The p.P426A variant (also known as c.1276C>G), located in coding exon 11 of the CHEK2 gene, results from a C to G substitution at nucleotide position 1276. The proline at codon 426 is replaced by alanine, an amino acid with highly similar properties. This amino acid position is highly conserved in available vertebrate species. In addition, the in silico prediction for this alteration is inconclusive, however, direct evidence is insufficient at this time (Ambry internal data). Since supporting evidence is limited at this time, the clinical significance of this alteration remains unclear.